The following is an entry in ClinVar:

ClinVar aggregate classification (germline): Pathogenic (1 of 4 stars; one submission).

Submission:

Labcorp Genetics (formerly Invitae), Labcorp
Classification: Pathogenic. Last evaluated: 2024-10-17. Review status: criteria provided, single submitter. Criteria: Invitae Variant Classification Sherloc (09022015). Collection method: clinical testing. Allele origin: germline.
Comment: This sequence change creates a premature translational stop signal (p.Tyr1556*) in the KMT2E gene. While this is not anticipated to result in nonsense mediated decay, it is expected to disrupt the last 303 amino acid(s) of the KMT2E protein. This variant is not present in population databases (gnomAD no frequency). This variant has not been reported in the literature in individuals affected with KMT2E-related conditions. This variant disrupts a region of the KMT2E protein in which other variant(s) (p.Pro1683_Pro1694del) have been determined to be pathogenic (internal data). This suggests that this is a clinically significant region of the protein, and that variants that disrupt it are likely to be disease-causing. For these reasons, this variant has been classified as Pathogenic.

NM_182931.3(KMT2E):c.4668C>G (p.Tyr1556Ter)

Gene: KMT2E (lysine methyltransferase 2E (inactive); plus strand). Cytogenetic location: 7q22.3.
Variant type: single nucleotide variant.
Coding change: c.4668C>G on transcript NM_182931.3 (MANE Select); coding-DNA position 4668, C replaced by G.
Protein change: p.Tyr1556Ter; replaces tyrosine 1556 with a stop codon.
Molecular consequence: nonsense.
Genome position (GRCh38, 1-based): chr7:105,112,424, C>G. VCF-style: chr7-105112424-C-G. GRCh37 (hg19) VCF-style: chr7-104752871-C-G.
Other names: c.4542C>G, p.Tyr1514Ter (NM_001410908.1); c.4668C>G, p.Tyr1556Ter (NM_018682.4); short protein forms Y1514*, Y1556*.
Identifiers: ClinVar variation 2702200 (VCV002702200.3), dbSNP rs1451088248, ClinGen allele CA368793138.
Genomic context (GRCh38, chr7:105,112,424, plus strand): 5'-ACAAAGTCTGAACAGCACGGCACCACCCCCTCCACCTCCTCCACCTCCTTCTTCGTCTTA[C>G]TATCAAAACCAGCAGCCCTCTGCAAACTTTCAGAATTATAATCAGCTCAAAGGTAGTCTT-3'